The following is an entry in ClinVar:

ClinVar aggregate classification (germline): Uncertain significance (1 of 4 stars; one submission).

Submission:

Labcorp Genetics (formerly Invitae), Labcorp
Classification: Uncertain significance. Last evaluated: 2026-01-30. Review status: criteria provided, single submitter. Criteria: Invitae Variant Classification Sherloc (09022015). Collection method: clinical testing. Allele origin: germline.
Comment: This sequence change replaces valine, which is neutral and non-polar, with phenylalanine, which is neutral and non-polar, at codon 201 of the NIPAL4 protein (p.Val201Phe). This variant is not present in population databases (gnomAD no frequency). This missense change has been observed in individual(s) with NIPAL4-related conditions (internal data). In at least one individual the data is consistent with being in trans (on the opposite chromosome) from a pathogenic variant. Invitae Evidence Modeling of protein sequence and biophysical properties (such as structural, functional, and spatial information, amino acid conservation, physicochemical variation, residue mobility, and thermodynamic stability) has been performed for this missense variant. However, the output from this modeling did not meet the statistical confidence thresholds required to predict the impact of this variant on NIPAL4 protein function. In summary, the available evidence is currently insufficient to determine the role of this variant in disease. Therefore, it has been classified as a Variant of Uncertain Significance.

NM_001099287.2(NIPAL4):c.415G>T (p.Val139Phe)

Gene: NIPAL4 (NIPA like domain containing 4; plus strand). Cytogenetic location: 5q33.3.
Variant type: single nucleotide variant.
Coding change: c.415G>T on transcript NM_001099287.2 (MANE Select); coding-DNA position 415, G replaced by T.
Protein change: p.Val139Phe; replaces valine 139 with phenylalanine.
Molecular consequence: missense variant.
Genome position (GRCh38, 1-based): chr5:157,468,802, G>T. VCF-style: chr5-157468802-G-T. GRCh37 (hg19) VCF-style: chr5-156895810-G-T.
Other names: c.358G>T, p.Val120Phe (NM_001172292.2); short protein forms V139F, V120F.
Identifiers: ClinVar variation 4764304 (VCV004764304.1).